The following is an entry in ClinVar:

NM_025114.4(CEP290):c.7411G>A (p.Glu2471Lys)

Genes: CEP290 (centrosomal protein 290; minus strand), RLIG1 (RNA 5'-phosphate and 3'-OH ligase 1; plus strand). Cytogenetic location: 12q21.32.
Variant type: single nucleotide variant.
Coding change: c.7411G>A on transcript NM_025114.4 (MANE Select); coding-DNA position 7411, G replaced by A.
Protein change: p.Glu2471Lys; replaces glutamic acid 2471 with lysine.
Molecular consequence: missense variant. On other transcripts: 3 prime UTR variant (1).
Genome position (GRCh38, 1-based): chr12:88,049,213, C>T on the plus strand (G>A on the coding strand, the complement: CEP290 is on the minus strand). VCF-style: chr12-88049213-C-T. GRCh37 (hg19) VCF-style: chr12-88442990-C-T.
Other names: c.*791C>T (NM_001009894.3); c.7411G>A (NM_025114.3); short protein forms E2471K.
Identifiers: ClinVar variation 2416454 (VCV002416454.9), dbSNP rs1406377321, ClinGen allele CA385971987.
Genomic context (GRCh38, chr12:88,049,213, plus strand): 5'-AGTTAAATGAAACAAAGTTTATAGGTGACCTTTAGTAAATGGGGAAATTAACAGGACTTT[C>T]TTCTTCATCTTCAAACTCTTCAGAAGCAGCAACAGGGCTAGTTAATTCAACTCCCAATTG-3'
Protein context (NP_079390.3, residues 2461-2479): AASEEFEDEE[Glu2471Lys]SPVNFPIY

ClinVar aggregate classification (germline): Uncertain significance. Review status: criteria provided, multiple submitters, no conflicts (2 of 4 stars). 5 submissions from 5 submitters: Uncertain significance (5). Last evaluated 2026-08-05.

Conditions:
CEP290-related disorder. Also called: CEP290-related disorders; CEP290-related condition. Identifiers: MedGen CN239314.
Joubert syndrome. Also called: Familial aplasia of the vermis; JOUBERT-BOLTSHAUSER SYNDROME. Identifiers: Orphanet 475, MedGen C5979921, MONDO:0018772.
Meckel-Gruber syndrome. Also called: Dysencephalia splachnocystica; DYSENCEPHALIA SPLANCHNOCYSTICA; GRUBER SYNDROME. Identifiers: Orphanet 564, MedGen C0265215, MONDO:0018921.
Nephronophthisis. Also called: Juvenile Nephronophthisis. Identifiers: Orphanet 655, MedGen C0687120, MONDO:0019005, HP:0000090.
Retinal dystrophy. Also called: Inherited retinal dystrophy. Identifiers: Orphanet 71862, MedGen C0854723, MeSH D058499, MONDO:0019118, HP:0000556.
Inborn genetic diseases. Identifiers: MedGen C0950123, MeSH D030342.
Joubert syndrome 5 (JBTS5). Identifiers: Orphanet 2318, MedGen C1857780, MONDO:0012432, OMIM 610188.
Leber congenital amaurosis 10 (LCA10). Identifiers: Orphanet 65, MedGen C1857821, MONDO:0012723, OMIM 611755.
Bardet-Biedl syndrome 14 (BBS14). Identifiers: Orphanet 110, MedGen C2673874, MONDO:0014442, OMIM 615991.
Meckel syndrome, type 4 (MKS4). Also called: MECKEL-GRUBER SYNDROME, TYPE 4. Identifiers: Orphanet 564, MedGen C1970161, MONDO:0012626, OMIM 611134.
Senior-Loken syndrome 6 (SLSN6). Identifiers: Orphanet 3156, MedGen C1857779, MONDO:0012433, OMIM 610189.

Allele frequency attached by ClinVar (database versions not stated): gnomAD 0.00001; gnomAD exomes 0.00001; TOPMed 0.00001.
gnomAD v4.1: 5 of 1,598,690 alleles (0.00031%); highest among the groups gnomAD compares: Admixed American, 0.0087%; no homozygotes.

Submissions (5):

PreventionGenetics, part of Exact Sciences
Classification: Uncertain significance for CEP290-related condition. Last evaluated: 2026-08-05. Review status: criteria provided, single submitter. Criteria: ACMG Guidelines, 2015. Collection method: clinical testing. Allele origin: germline.
Comment: The CEP290 c.7411G>A variant is predicted to result in the amino acid substitution p.Glu2471Lys. To our knowledge, this variant has not been reported in the literature. This variant is reported in 0.0063% of alleles in individuals of Latino descent in gnomAD. At this time, the clinical significance of this variant is uncertain due to the absence of conclusive functional and genetic evidence.

Fulgent Genetics
Classification: Uncertain significance for Joubert syndrome 5; Senior-Loken syndrome 6; Meckel syndrome, type 4; Leber congenital amaurosis 10; Bardet-Biedl syndrome 14. Last evaluated: 2024-04-04. Review status: criteria provided, single submitter. Criteria: ACMG Guidelines, 2015. Collection method: clinical testing. Allele origin: germline.

Ambry Genetics
Classification: Uncertain significance for Inborn genetic diseases. Last evaluated: 2023-11-27. Review status: criteria provided, single submitter. Criteria: Ambry Variant Classification Scheme 2023. Collection method: clinical testing. Allele origin: germline.

Dept Of Ophthalmology, Nagoya University
Classification: Uncertain significance for Retinal dystrophy. Last evaluated: 2023-10-01. Review status: criteria provided, single submitter. Criteria: Submitter's publication. Collection method: research. Allele origin: germline. Affected: yes.

Labcorp Genetics (formerly Invitae), Labcorp
Classification: Uncertain significance for Joubert syndrome; Meckel-Gruber syndrome; Nephronophthisis. Last evaluated: 2022-07-09. Review status: criteria provided, single submitter. Criteria: Invitae Variant Classification Sherloc (09022015). Collection method: clinical testing. Allele origin: germline.
Comment: This sequence change replaces glutamic acid, which is acidic and polar, with lysine, which is basic and polar, at codon 2471 of the CEP290 protein (p.Glu2471Lys). This variant is present in population databases (no rsID available, gnomAD 0.006%). This variant has not been reported in the literature in individuals affected with CEP290-related conditions. Algorithms developed to predict the effect of missense changes on protein structure and function (SIFT, PolyPhen-2, Align-GVGD) all suggest that this variant is likely to be tolerated. In summary, the available evidence is currently insufficient to determine the role of this variant in disease. Therefore, it has been classified as a Variant of Uncertain Significance.